The following is an entry in ClinVar:

ClinVar aggregate classification (germline): Uncertain significance. Review status: criteria provided, multiple submitters, no conflicts (2 of 4 stars). 2 submissions from 2 submitters: Uncertain significance (2). Last evaluated 2021-10-19.

Submissions (2):

Labcorp Genetics (formerly Invitae), Labcorp
Classification: Uncertain significance. Last evaluated: 2021-10-19. Review status: criteria provided, single submitter. Criteria: Invitae Variant Classification Sherloc (09022015). Collection method: clinical testing. Allele origin: germline.
Comment: In summary, the available evidence is currently insufficient to determine the role of this variant in disease. Therefore, it has been classified as a Variant of Uncertain Significance. Algorithms developed to predict the effect of missense changes on protein structure and function (SIFT, PolyPhen-2, Align-GVGD) all suggest that this variant is likely to be disruptive. This variant has not been reported in the literature in individuals affected with MERTK-related conditions. This variant is not present in population databases (ExAC no frequency). This sequence change replaces lysine with methionine at codon 552 of the MERTK protein (p.Lys552Met). The lysine residue is highly conserved and there is a moderate physicochemical difference between lysine and methionine.

Blueprint Genetics
Classification: Uncertain significance. Last evaluated: 2019-02-15. Review status: criteria provided, single submitter. Criteria: ACMG Guidelines, 2015. Collection method: clinical testing. Allele origin: germline.

NM_006343.3(MERTK):c.1655A>T (p.Lys552Met)

Gene: MERTK (MER proto-oncogene, tyrosine kinase; plus strand). Cytogenetic location: 2q13.
Variant type: single nucleotide variant.
Coding change: c.1655A>T on transcript NM_006343.3 (MANE Select); coding-DNA position 1655, A replaced by T.
Protein change: p.Lys552Met; replaces lysine 552 with methionine.
Molecular consequence: missense variant.
Genome position (GRCh38, 1-based): chr2:112,001,251, A>T. VCF-style: chr2-112001251-A-T. GRCh37 (hg19) VCF-style: chr2-112758828-A-T.
Other names: short protein forms K552M.
Identifiers: ClinVar variation 1387946 (VCV001387946.7), dbSNP rs2104405157, ClinGen allele CA348232238.